The following is an entry in ClinVar:

NM_002618.4(PEX13):c.*952C>T

Gene: PEX13 (peroxisomal biogenesis factor 13; plus strand). Cytogenetic location: 2p15.
Variant type: single nucleotide variant.
Coding change: c.*952C>T on transcript NM_002618.4 (MANE Select); 952 bases downstream of the stop codon, C replaced by T.
Molecular consequence: 3 prime UTR variant.
Genome position (GRCh38, 1-based): chr2:61,049,722, C>T. VCF-style: chr2-61049722-C-T. GRCh37 (hg19) VCF-style: chr2-61276857-C-T.
Identifiers: ClinVar variation 336685 (VCV000336685.6), dbSNP rs56739127, ClinGen allele CA10615902.
Genomic context (GRCh38, chr2:61,049,722, plus strand): 5'-ACTCGGGAGGCTGAGGCAGGAGAATTGCTTGAACCCCAGGAGGCGGAGGTTACGCTGAGC[C>T]GGAGATCTCGCCATTGCACTTCAGCCTGGGCAACAAAAGCGAAACTCCATCTCAAAAAAT-3'

ClinVar aggregate classification (germline): Benign. Review status: criteria provided, multiple submitters, no conflicts (2 of 4 stars). 2 submissions from 2 submitters: Benign (2). Last evaluated 2018-01-13.

Conditions:
Peroxisome biogenesis disorder 11A (Zellweger). Also called: Peroxisome biogenesis disorder 11A. Identifiers: Orphanet 912, MedGen C3554000, MONDO:0013949, OMIM 614883.

Allele frequency attached by ClinVar (database versions not stated): gnomAD 0.29127 and 0.29060; 1000 Genomes Project 0.30391; TOPMed 0.30710; 1000 Genomes Project 30x 0.29872; gnomAD exomes 0.26923.
gnomAD v4.1: 44,363 of 152,082 alleles (29%); highest among the groups gnomAD compares: East Asian, 44%; 6,818 homozygotes.

Submissions (2):

Illumina Laboratory Services, Illumina
Classification: Benign for Peroxisome biogenesis disorder 11A (Zellweger). Last evaluated: 2018-01-13. Review status: criteria provided, single submitter. Criteria: ICSL Variant Classification Criteria 13 December 2019. Collection method: clinical testing. Allele origin: germline.
Comment: This variant was observed in the ICSL laboratory as part of a predisposition screen in an ostensibly healthy population. It had not been previously curated by ICSL or reported in the Human Gene Mutation Database (HGMD: prior to June 1st, 2018), and was therefore a candidate for classification through an automated scoring system. Utilizing variant allele frequency, disease prevalence and penetrance estimates, and inheritance mode, an automated score was calculated to assess if this variant is too frequent to cause the disease. Based on the score and internal cut-off values, a variant classified as benign is not then subjected to further curation. The score for this variant resulted in a classification of benign for this disease.

Breakthrough Genomics
Classification: Benign. Review status: criteria provided, single submitter. Criteria: ACMG Guidelines, 2015. Collection method: not provided. Allele origin: germline. Inheritance: Autosomal recessive inheritance. Affected: yes.